The following is an entry in ClinVar:

ClinVar aggregate classification (germline): Likely benign. Review status: criteria provided, multiple submitters, no conflicts (2 of 4 stars). 2 submissions from 2 submitters: Likely benign (2). Last evaluated 2025-07-10.

Allele frequency attached by ClinVar (database versions not stated): TOPMed 0.00004; ExAC 0.00005; gnomAD 0.00003; gnomAD exomes 0.00003.
gnomAD v4.1: 32 of 1,600,758 alleles (0.002%); highest among the groups gnomAD compares: Non-Finnish European, 0.0027%; no homozygotes.

Submissions (2):

Labcorp Genetics (formerly Invitae), Labcorp
Classification: Likely benign. Last evaluated: 2025-07-10. Review status: criteria provided, single submitter. Criteria: Invitae Variant Classification Sherloc (09022015). Collection method: clinical testing. Allele origin: germline.

Laboratory for Molecular Medicine, Mass General Brigham Personalized Medicine
Classification: Likely benign. Last evaluated: 2015-12-24. Review status: criteria provided, single submitter. Criteria: LMM Criteria. Collection method: clinical testing. Allele origin: germline. Observed: 1 variant allele.
Comment: p.Thr560Thr variant in exon 16 of CDH23: This variant is not expected to have cl inical significance because it does not alter an amino acid residue and is not l ocated within the splice consensus sequence. It has been identified in 3/33304 E uropean chromosomes by the Exome Aggregation Consortium (ExAC; dbSNP rs780822052).

NM_022124.6(CDH23):c.1680C>T (p.Thr560=)

Gene: CDH23 (cadherin related 23; plus strand). Cytogenetic location: 10q22.1.
Variant type: single nucleotide variant.
Coding change: c.1680C>T on transcript NM_022124.6 (MANE Select); coding-DNA position 1680, C replaced by T.
Protein change: p.Thr560=; no amino-acid change (threonine 560 retained).
Molecular consequence: synonymous variant.
Genome position (GRCh38, 1-based): chr10:71,677,621, C>T. VCF-style: chr10-71677621-C-T. GRCh37 (hg19) VCF-style: chr10-73437378-C-T.
Other names: c.1680C>T, p.Thr560= (NM_001171930.2, NM_001171931.2).
Identifiers: ClinVar variation 227217 (VCV000227217.12), dbSNP rs780822052, ClinGen allele CA5543925.